The following is an entry in ClinVar:

NM_002775.5(HTRA1):c.433C>T (p.Pro145Ser)

Gene: HTRA1 (HtrA serine peptidase 1; plus strand). Cytogenetic location: 10q26.13.
Variant type: single nucleotide variant.
Coding change: c.433C>T on transcript NM_002775.5 (MANE Select); coding-DNA position 433, C replaced by T.
Protein change: p.Pro145Ser; replaces proline 145 with serine.
Molecular consequence: missense variant.
Genome position (GRCh38, 1-based): chr10:122,462,085, C>T. VCF-style: chr10-122462085-C-T. GRCh37 (hg19) VCF-style: chr10-124221601-C-T.
Other names: short protein forms P145S.
Identifiers: ClinVar variation 4687420 (VCV004687420.1).

ClinVar aggregate classification (germline): Uncertain significance (1 of 4 stars; one submission).

Submission:

Women's Health and Genetics/Laboratory Corporation of America, LabCorp
Classification: Uncertain significance. Last evaluated: 2025-10-09. Review status: criteria provided, single submitter. Criteria: LabCorp Variant Classification Summary - May 2015. Collection method: clinical testing. Allele origin: germline.
Comment: Variant summary: HTRA1 c.433C>T (p.Pro145Ser) results in a non-conservative amino acid change in the encoded protein sequence. Algorithms developed to predict the effect of missense changes on protein structure and function are either unavailable or do not agree on the potential impact of this missense change. The variant was absent in 128596 control chromosomes. The available data on variant occurrences in the general population are insufficient to allow any conclusion about variant significance. To our knowledge, no occurrence of c.433C>T in individuals affected with HTRA1-related conditions and no experimental evidence demonstrating its impact on protein function have been reported. No submitters have cited clinical-significance assessments for this variant to ClinVar. Based on the evidence outlined above, the variant was classified as uncertain significance.